The following is an entry in ClinVar:

NM_005732.4(RAD50):c.1055G>T (p.Arg352Leu)

Gene: RAD50 (RAD50 double strand break repair protein; plus strand). Cytogenetic location: 5q31.1.
Variant type: single nucleotide variant.
Coding change: c.1055G>T on transcript NM_005732.4 (MANE Select); coding-DNA position 1055, G replaced by T.
Protein change: p.Arg352Leu; replaces arginine 352 with leucine.
Molecular consequence: missense variant.
Genome position (GRCh38, 1-based): chr5:132,588,690, G>T. VCF-style: chr5-132588690-G-T. GRCh37 (hg19) VCF-style: chr5-131924382-G-T.
Other names: short protein forms R352L.
Identifiers: ClinVar variation 3224929 (VCV003224929.1), dbSNP rs757836195, ClinGen allele CA360941953.

ClinVar aggregate classification (germline): Uncertain significance (1 of 4 stars; one submission).

Conditions:
Hereditary cancer-predisposing syndrome. Also called: Neoplastic Syndromes, Hereditary; Tumor predisposition; Hereditary neoplastic syndrome; Hereditary Cancer Syndrome. Identifiers: Orphanet 140162, MedGen C0027672, MeSH D009386, MONDO:0015356.

Submission:

Ambry Genetics
Classification: Uncertain significance for Hereditary cancer-predisposing syndrome. Last evaluated: 2023-12-29. Review status: criteria provided, single submitter. Criteria: Ambry Variant Classification Scheme 2023. Collection method: clinical testing. Allele origin: germline.
Comment: The p.R352L variant (also known as c.1055G>T), located in coding exon 8 of the RAD50 gene, results from a G to T substitution at nucleotide position 1055. The arginine at codon 352 is replaced by leucine, an amino acid with dissimilar properties. This amino acid position is conserved. In addition, the in silico prediction for this alteration is inconclusive. Since supporting evidence is limited at this time, the clinical significance of this alteration remains unclear.